The following is an entry in ClinVar:

ClinVar aggregate classification (germline): Uncertain significance (1 of 4 stars; one submission).

Submission:

Labcorp Genetics (formerly Invitae), Labcorp
Classification: Uncertain significance. Last evaluated: 2022-06-10. Review status: criteria provided, single submitter. Criteria: Invitae Variant Classification Sherloc (09022015). Collection method: clinical testing. Allele origin: germline.
Comment: In summary, the available evidence is currently insufficient to determine the role of this variant in disease. Therefore, it has been classified as a Variant of Uncertain Significance. Algorithms developed to predict the effect of missense changes on protein structure and function output the following: SIFT: "Tolerated"; PolyPhen-2: "Benign"; Align-GVGD: "Class C0". The proline amino acid residue is found in multiple mammalian species, which suggests that this missense change does not adversely affect protein function. This variant has not been reported in the literature in individuals affected with HMCN1-related conditions. This variant is not present in population databases (gnomAD no frequency). This sequence change replaces serine, which is neutral and polar, with proline, which is neutral and non-polar, at codon 4980 of the HMCN1 protein (p.Ser4980Pro).

NM_031935.3(HMCN1):c.14938T>C (p.Ser4980Pro)

Gene: HMCN1 (hemicentin 1; plus strand). Cytogenetic location: 1q31.1.
Variant type: single nucleotide variant.
Coding change: c.14938T>C on transcript NM_031935.3 (MANE Select); coding-DNA position 14938, T replaced by C.
Protein change: p.Ser4980Pro; replaces serine 4980 with proline.
Molecular consequence: missense variant.
Genome position (GRCh38, 1-based): chr1:186,152,791, T>C. VCF-style: chr1-186152791-T-C. GRCh37 (hg19) VCF-style: chr1-186121923-T-C.
Other names: short protein forms S4980P.
Identifiers: ClinVar variation 2004491 (VCV002004491.4), dbSNP rs2528156498, ClinGen allele CA343921842.